The following is an entry in ClinVar:

NM_001134831.2(AHI1):c.416A>G (p.Gln139Arg)

Gene: AHI1 (Abelson helper integration site 1; minus strand). Cytogenetic location: 6q23.3.
Variant type: single nucleotide variant.
Coding change: c.416A>G on transcript NM_001134831.2 (MANE Select); coding-DNA position 416, A replaced by G.
Protein change: p.Gln139Arg; replaces glutamine 139 with arginine.
Molecular consequence: missense variant.
Genome position (GRCh38, 1-based): chr6:135,466,147, T>C on the plus strand (A>G on the coding strand, the complement: AHI1 is on the minus strand). VCF-style: chr6-135466147-T-C. GRCh37 (hg19) VCF-style: chr6-135787285-T-C.
Other names: c.416A>G, p.Gln139Arg (NM_001134830.2, NM_001134832.2, NM_001350503.2 and 2 more transcripts); short protein forms Q139R.
Identifiers: ClinVar variation 1901180 (VCV001901180.5), dbSNP rs1397997127, ClinGen allele CA365751722.

ClinVar aggregate classification (germline): Uncertain significance (1 of 4 stars; one submission).

Conditions:
Joubert syndrome. Also called: CEREBELLOPARENCHYMAL DISORDER IV; JOUBERT-BOLTSHAUSER SYNDROME; Familial aplasia of the vermis. Identifiers: Orphanet 475, MedGen C5979921, MONDO:0018772.

Allele frequency attached by ClinVar (database versions not stated): TOPMed below 0.00001.

Submission:

Labcorp Genetics (formerly Invitae), Labcorp
Classification: Uncertain significance for Joubert syndrome. Last evaluated: 2022-07-16. Review status: criteria provided, single submitter. Criteria: Invitae Variant Classification Sherloc (09022015). Collection method: clinical testing. Allele origin: germline.
Comment: In summary, the available evidence is currently insufficient to determine the role of this variant in disease. Therefore, it has been classified as a Variant of Uncertain Significance. Advanced modeling of protein sequence and biophysical properties (such as structural, functional, and spatial information, amino acid conservation, physicochemical variation, residue mobility, and thermodynamic stability) performed at Invitae indicates that this missense variant is not expected to disrupt AHI1 protein function. This variant has not been reported in the literature in individuals affected with AHI1-related conditions. This variant is not present in population databases (gnomAD no frequency). This sequence change replaces glutamine, which is neutral and polar, with arginine, which is basic and polar, at codon 139 of the AHI1 protein (p.Gln139Arg).